The following is an entry in ClinVar:

ClinVar aggregate classification (germline): Uncertain significance (1 of 4 stars; one submission).

Submission:

Labcorp Genetics (formerly Invitae), Labcorp
Classification: Uncertain significance. Last evaluated: 2022-02-11. Review status: criteria provided, single submitter. Criteria: Invitae Variant Classification Sherloc (09022015). Collection method: clinical testing. Allele origin: germline.
Comment: Algorithms developed to predict the effect of missense changes on protein structure and function are either unavailable or do not agree on the potential impact of this missense change (SIFT: "Deleterious"; PolyPhen-2: "Benign"; Align-GVGD: "Class C0"). In summary, the available evidence is currently insufficient to determine the role of this variant in disease. Therefore, it has been classified as a Variant of Uncertain Significance. This sequence change replaces threonine, which is neutral and polar, with lysine, which is basic and polar, at codon 1144 of the MYO5B protein (p.Thr1144Lys). This variant is present in population databases (no rsID available, gnomAD 0.06%). This variant has not been reported in the literature in individuals affected with MYO5B-related conditions. ClinVar contains an entry for this variant (Variation ID: 1036021).

NM_001080467.3(MYO5B):c.3431C>A (p.Thr1144Lys)

Gene: MYO5B (myosin VB; minus strand). Cytogenetic location: 18q21.1.
Variant type: single nucleotide variant.
Coding change: c.3431C>A on transcript NM_001080467.3 (MANE Select); coding-DNA position 3431, C replaced by A.
Protein change: p.Thr1144Lys; replaces threonine 1144 with lysine.
Molecular consequence: missense variant.
Genome position (GRCh38, 1-based): chr18:49,875,793, G>T on the plus strand (C>A on the coding strand, the complement: MYO5B is on the minus strand). VCF-style: chr18-49875793-G-T. GRCh37 (hg19) VCF-style: chr18-47402163-G-T.
Other names: short protein forms T1144K.
Identifiers: ClinVar variation 1036021 (VCV001036021.8), dbSNP rs372301424, ClinGen allele CA402428305.